The following is an entry in ClinVar:

ClinVar aggregate classification (germline): Likely pathogenic (0 of 4 stars; one submission).

Conditions:
Neuropathy, hereditary sensory, type 1D. Identifiers: Orphanet 36386, MedGen C3150972, MONDO:0013381, OMIM 613708.

Submission:

Solve-RD Consortium
Classification: Likely pathogenic for Neuropathy, hereditary sensory, type 1D. Last evaluated: 2024-06-01. Review status: no assertion criteria provided. Collection method: provider interpretation. Allele origin: germline. Affected: yes.
Comment: This CNV was confirmed by the submitting clinician to impact a gene that corresponds with the phenotype of the affected individual, and thus deemed to be causative for their condition.

Literature cited by the submitters: PubMed 39825153.

GRCh37/hg19 14q22.1(chr14:50911699-51132124)x4

Genes: ATL1 (atlastin GTPase 1; plus strand), MAP4K5 (mitogen-activated protein kinase kinase kinase kinase 5; minus strand), SAV1 (salvador family WW domain containing protein 1; minus strand). Cytogenetic location: 14q22.1.
Variant type: copy number gain.
Change: copy number 4 of chr14:50,911,699-51,132,124 (220.4 kb, GRCh37 coordinates, 1-based), cytogenetic band 14q22.1.
Identifiers: ClinVar variation 3338470 (VCV003338470.1).